The following is an entry in ClinVar:

NM_018089.3(ANKZF1):c.1214C>T (p.Ser405Leu)

Gene: ANKZF1 (ankyrin repeat and zinc finger peptidyl tRNA hydrolase 1; plus strand). Cytogenetic location: 2q35.
Variant type: single nucleotide variant.
Coding change: c.1214C>T on transcript NM_018089.3 (MANE Select); coding-DNA position 1214, C replaced by T.
Protein change: p.Ser405Leu; replaces serine 405 with leucine.
Molecular consequence: missense variant.
Genome position (GRCh38, 1-based): chr2:219,234,835, C>T. VCF-style: chr2-219234835-C-T. GRCh37 (hg19) VCF-style: chr2-220099557-C-T.
Other names: c.1214C>T, p.Ser405Leu (NM_001042410.2); c.584C>T, p.Ser195Leu (NM_001282792.2); short protein forms S195L, S405L.
Identifiers: ClinVar variation 1911348 (VCV001911348.6), dbSNP rs200734099, ClinGen allele CA2121018.

ClinVar aggregate classification (germline): Uncertain significance. Review status: criteria provided, multiple submitters, no conflicts (2 of 4 stars). 2 submissions from 2 submitters: Uncertain significance (2). Last evaluated 2025-01-29.

Allele frequency attached by ClinVar (database versions not stated): gnomAD 0.00001; TOPMed 0.00001; ExAC 0.00002; 1000 Genomes Project 30x 0.00016; 1000 Genomes Project 0.00020.
gnomAD v4.1: 26 of 1,610,384 alleles (0.0016%); highest among the groups gnomAD compares: East Asian, 0.0022%; no homozygotes.

Submissions (2):

Labcorp Genetics (formerly Invitae), Labcorp
Classification: Uncertain significance. Last evaluated: 2025-01-29. Review status: criteria provided, single submitter. Criteria: Invitae Variant Classification Sherloc (09022015). Collection method: clinical testing. Allele origin: germline.
Comment: This sequence change replaces serine, which is neutral and polar, with leucine, which is neutral and non-polar, at codon 405 of the ANKZF1 protein (p.Ser405Leu). This variant is present in population databases (rs200734099, gnomAD 0.003%). This variant has not been reported in the literature in individuals affected with ANKZF1-related conditions. ClinVar contains an entry for this variant (Variation ID: 1911348). An algorithm developed to predict the effect of missense changes on protein structure and function outputs the following: PolyPhen-2: "Benign". The leucine amino acid residue is found in multiple mammalian species, which suggests that this missense change does not adversely affect protein function. In summary, the available evidence is currently insufficient to determine the role of this variant in disease. Therefore, it has been classified as a Variant of Uncertain Significance.

Ambry Genetics
Classification: Uncertain significance. Last evaluated: 2021-07-13. Review status: criteria provided, single submitter. Criteria: Ambry Variant Classification Scheme 2023. Collection method: clinical testing. Allele origin: germline.